The following is an entry in ClinVar:

ClinVar aggregate classification (germline): Pathogenic (1 of 4 stars; one submission).

Conditions:
Bardet-Biedl syndrome (BBS). Identifiers: Orphanet 110, MedGen C0752166, MONDO:0015229.

Allele frequency attached by ClinVar (database versions not stated): gnomAD 0.00001; TOPMed 0.00001.
gnomAD v4.1: 2 of 1,610,858 alleles (0.00012%); highest among the groups gnomAD compares: African/African-American, 0.0013%; no homozygotes.

Submission:

Labcorp Genetics (formerly Invitae), Labcorp
Classification: Pathogenic for Bardet-Biedl syndrome. Last evaluated: 2024-01-08. Review status: criteria provided, single submitter. Criteria: Invitae Variant Classification Sherloc (09022015). Collection method: clinical testing. Allele origin: germline.
Comment: This sequence change falls in intron 17 of the BBS7 gene. It does not directly change the encoded amino acid sequence of the BBS7 protein. It affects a nucleotide within the consensus splice site. This variant is not present in population databases (gnomAD no frequency). This variant has been observed in individual(s) with clinical features of Bardet-Biedl syndrome (Invitae). ClinVar contains an entry for this variant (Variation ID: 462967). Variants that disrupt the consensus splice site are a relatively common cause of aberrant splicing (PMID: 17576681, 9536098). Algorithms developed to predict the effect of sequence changes on RNA splicing suggest that this variant may disrupt the consensus splice site. For these reasons, this variant has been classified as Pathogenic.

Literature cited by the submitters: PubMed 17576681; PubMed 9536098.

NM_176824.3(BBS7):c.1890+6T>C

Gene: BBS7 (Bardet-Biedl syndrome 7; minus strand). Cytogenetic location: 4q27.
Variant type: single nucleotide variant.
Coding change: c.1890+6T>C on transcript NM_176824.3 (MANE Select); 6 bases into the intron after coding-DNA position 1890, T replaced by C.
Molecular consequence: intron variant.
Genome position (GRCh38, 1-based): chr4:121,828,396, A>G on the plus strand (T>C on the coding strand, the complement: BBS7 is on the minus strand). VCF-style: chr4-121828396-A-G. GRCh37 (hg19) VCF-style: chr4-122749551-A-G.
Other names: c.1890+6T>C (NM_018190.4).
Identifiers: ClinVar variation 462967 (VCV000462967.3), dbSNP rs1553930514, ClinGen allele CA658657401.